The following is an entry in ClinVar:

ClinVar aggregate classification (germline): Uncertain significance (1 of 4 stars; one submission).

gnomAD v4.1: 7 of 1,611,616 alleles (0.00043%); highest among the groups gnomAD compares: South Asian, 0.0022%; no homozygotes.

Submission:

Women's Health and Genetics/Laboratory Corporation of America, LabCorp
Classification: Uncertain significance. Last evaluated: 2026-04-16. Review status: criteria provided, single submitter. Criteria: LabCorp Variant Classification Summary - May 2015. Collection method: clinical testing. Allele origin: germline.
Comment: Variant summary: INSR c.1269-3T>C alters a non-conserved nucleotide located close to a canonical splice site and therefore could affect mRNA splicing, leading to a significantly altered protein sequence. Consensus agreement among computation tools predict no significant impact on normal splicing. However, these predictions have yet to be confirmed by functional studies. The variant allele was found at a frequency of 4e-06 in 251384 control chromosomes. The available data on variant occurrences in the general population are insufficient to allow any conclusion about variant significance. To our knowledge, no occurrence of c.1269-3T>C in individuals affected with INSR-related conditions and no experimental evidence demonstrating its impact on protein function have been reported. No submitters have cited clinical-significance assessments for this variant to ClinVar. Based on the evidence outlined above, the variant was classified as uncertain significance.

NM_000208.4(INSR):c.1269-3T>C

Gene: INSR (insulin receptor; minus strand). Cytogenetic location: 19p13.2.
Variant type: single nucleotide variant.
Coding change: c.1269-3T>C on transcript NM_000208.4 (MANE Select); 3 bases into the intron before coding-DNA position 1269, T replaced by C.
Molecular consequence: intron variant.
Genome position (GRCh38, 1-based): chr19:7,170,754, A>G on the plus strand (T>C on the coding strand, the complement: INSR is on the minus strand). VCF-style: chr19-7170754-A-G. GRCh37 (hg19) VCF-style: chr19-7170765-A-G.
Other names: c.1269-3T>C (NM_001079817.3).
Identifiers: ClinVar variation 4848488 (VCV004848488.1).